The following is an entry in ClinVar:

NM_002332.3(LRP1):c.8278G>A (p.Gly2760Arg)

Gene: LRP1 (LDL receptor related protein 1; plus strand). Cytogenetic location: 12q13.3.
Variant type: single nucleotide variant.
Coding change: c.8278G>A on transcript NM_002332.3 (MANE Select); coding-DNA position 8278, G replaced by A.
Protein change: p.Gly2760Arg; replaces glycine 2760 with arginine.
Molecular consequence: missense variant.
Genome position (GRCh38, 1-based): chr12:57,195,071, G>A. VCF-style: chr12-57195071-G-A. GRCh37 (hg19) VCF-style: chr12-57588854-G-A.
Other names: short protein forms G2760R.
Identifiers: ClinVar variation 4976517 (VCV004976517.1).
Genomic context (GRCh38, chr12:57,195,071, plus strand): 5'-GAGTGCCAGAACCATCGCTGCATCTCCAAGCAGTGGCTGTGTGACGGCAGCGATGACTGT[G>A]GGGATGGCTCAGACGAGGCTGCTCACTGTGGTAAGGAAGCTGGGATTGGGCCGGGGGAGG-3'
Protein context (NP_002323.2, residues 2750-2770): QWLCDGSDDC[Gly2760Arg]DGSDEAAHCE

ClinVar aggregate classification (germline): Uncertain significance (1 of 4 stars; one submission).

gnomAD v4.1: 21 of 1,613,896 alleles (0.0013%); highest among the groups gnomAD compares: Admixed American, 0.022%; no homozygotes.

Submission:

GeneDx
Classification: Uncertain significance. Last evaluated: 2022-03-10. Review status: criteria provided, single submitter. Criteria: GeneDx Variant Classification Process June 2021. Collection method: clinical testing. Allele origin: germline.
Comment: In silico analysis supports that this missense variant has a deleterious effect on protein structure/function; Has not been previously published as pathogenic or benign to our knowledge; Variants in candidate genes are classified as variants of uncertain significance in accordance with ACMG guidelines (Richards et al., 2015)